The following is an entry in ClinVar:

ClinVar aggregate classification (germline): Uncertain significance. Review status: criteria provided, multiple submitters, no conflicts (2 of 4 stars). 3 submissions from 3 submitters: Uncertain significance (3). Last evaluated 2026-03-04.

Conditions:
FGFR1-related disorder. Also called: FGFR1-related condition; FGFR1-related disorders. Identifiers: MedGen CN380097.

Allele frequency attached by ClinVar (database versions not stated): gnomAD exomes 0.00001; TOPMed 0.00003; gnomAD 0.00004; ESP Exome Variant Server 0.00015.
gnomAD v4.1: 16 of 1,613,490 alleles (0.00099%); highest among the groups gnomAD compares: African/African-American, 0.008%; no homozygotes.

Submissions (3):

PreventionGenetics, part of Exact Sciences
Classification: Uncertain significance for FGFR1-related condition. Last evaluated: 2026-03-04. Review status: criteria provided, single submitter. Criteria: ACMG Guidelines, 2015. Collection method: clinical testing. Allele origin: germline.
Comment: The FGFR1 c.74C>T variant is predicted to result in the amino acid substitution p.Pro25Leu. To our knowledge, this variant has not been reported in the literature. This variant is reported in 0.0080% of alleles in individuals of African descent in gnomAD. At this time, the clinical significance of this variant is uncertain due to the absence of conclusive functional and genetic evidence.

GeneDx
Classification: Uncertain significance. Last evaluated: 2023-07-26. Review status: criteria provided, single submitter. Criteria: GeneDx Variant Classification Process June 2021. Collection method: clinical testing. Allele origin: germline. Affected: yes.
Comment: In silico analysis supports that this missense variant has a deleterious effect on protein structure/function; Has not been previously published as pathogenic or benign in patient cohorts to our knowledge; This variant is associated with the following publications: (PMID: 27896051)

CeGaT Center for Human Genetics Tuebingen
Classification: Uncertain significance. Last evaluated: 2021-09-01. Review status: criteria provided, single submitter. Criteria: CeGaT Center For Human Genetics Tuebingen Variant Classification Criteria Version 2. Collection method: clinical testing. Allele origin: germline. Affected: yes. Observed: 1 variant allele.

NM_023110.3(FGFR1):c.74C>T (p.Pro25Leu)

Gene: FGFR1 (fibroblast growth factor receptor 1; minus strand). Cytogenetic location: 8p11.23.
Variant type: single nucleotide variant.
Coding change: c.74C>T on transcript NM_023110.3 (MANE Select); coding-DNA position 74, C replaced by T.
Protein change: p.Pro25Leu; replaces proline 25 with leucine.
Molecular consequence: missense variant. On other transcripts: 5 prime UTR variant (1).
Genome position (GRCh38, 1-based): chr8:38,457,373, G>A on the plus strand (C>T on the coding strand, the complement: FGFR1 is on the minus strand). VCF-style: chr8-38457373-G-A. GRCh37 (hg19) VCF-style: chr8-38314891-G-A.
Other names: c.74C>T, p.Pro25Leu (NM_001354368.2, NM_001354369.2, NM_001354370.2 and 7 more transcripts); c.-19C>T (NM_001174064.2); c.173C>T, p.Pro58Leu (NM_001174067.2); c.74C>T (NM_023110.2); short protein forms P25L, P58L.
Identifiers: ClinVar variation 1299113 (VCV001299113.37), dbSNP rs149206728, ClinGen allele CA175774442.
Genomic context (GRCh38, chr8:38,457,373, plus strand): 5'-CCCAAGGCCCAGGAGTCCAGGCTGCCCCCAGCCAGCACCTTACCTTGTTCAGGCAAGGTC[G>A]GGGACGGCCTAGCGGTGCAGAGTGTGGCTGTGACCAGCACAGCCCAGAAGAGGAGGCACT-3'
Protein context (NP_075598.2, residues 15-35): TATLCTARPS[Pro25Leu]TLPEQAQPWG